The following is an entry in ClinVar:

ClinVar aggregate classification (germline): Pathogenic (1 of 4 stars; one submission).

Conditions:
Leukocyte adhesion deficiency 1 (LAD1). Also called: LEUKOCYTE ADHESION DEFICIENCY, TYPE I; LAD 1; Lymphocyte function-associated antigen 1 immunodeficiency; LFA 1 immunodeficiency. Identifiers: Orphanet 2968, Orphanet 99842, MedGen C0398738, MONDO:0007293, OMIM 116920.

Submission:

Labcorp Genetics (formerly Invitae), Labcorp
Classification: Pathogenic for Leukocyte adhesion deficiency 1. Last evaluated: 2022-05-31. Review status: criteria provided, single submitter. Criteria: Invitae Variant Classification Sherloc (09022015). Collection method: clinical testing. Allele origin: germline.
Comment: For these reasons, this variant has been classified as Pathogenic. This variant disrupts a region of the ITGB2 protein in which other variant(s) (p.Arg593Cys) have been determined to be pathogenic (PMID: 1968911, 7705401, 11703376, 12488604, 25703682). This suggests that this is a clinically significant region of the protein, and that variants that disrupt it are likely to be disease-causing. A similar copy number variant has been observed in individual(s) with leukocyte adhesion deficiency type 1 (PMID: 17875809). This variant is a gross deletion of the genomic region encompassing exon(s) 12-13 of the ITGB2 gene. This variant would be expected to be in-frame, preserving the integrity of the reading frame.

Literature cited by the submitters: PubMed 1968911; PubMed 7705401; PubMed 11703376; PubMed 12488604; PubMed 25703682; PubMed 17875809.

NC_000021.8:g.(?_46309171)_(46310157_?)del

Gene: ITGB2 (integrin subunit beta 2; minus strand). Cytogenetic location: 21q22.3.
Variant type: Deletion.
Identifiers: ClinVar variation 2422587 (VCV002422587.6).